The following is an entry in ClinVar:

ClinVar aggregate classification (germline): Uncertain significance (1 of 4 stars; one submission).

Submission:

Labcorp Genetics (formerly Invitae), Labcorp
Classification: Uncertain significance. Last evaluated: 2024-04-10. Review status: criteria provided, single submitter. Criteria: Invitae Variant Classification Sherloc (09022015). Collection method: clinical testing. Allele origin: germline.
Comment: This sequence change replaces methionine, which is neutral and non-polar, with valine, which is neutral and non-polar, at codon 475 of the EFTUD2 protein (p.Met475Val). This variant is not present in population databases (gnomAD no frequency). This variant has not been reported in the literature in individuals affected with EFTUD2-related conditions. Advanced modeling of protein sequence and biophysical properties (such as structural, functional, and spatial information, amino acid conservation, physicochemical variation, residue mobility, and thermodynamic stability) performed at Invitae indicates that this missense variant is not expected to disrupt EFTUD2 protein function with a negative predictive value of 80%. In summary, the available evidence is currently insufficient to determine the role of this variant in disease. Therefore, it has been classified as a Variant of Uncertain Significance.

NM_004247.4(EFTUD2):c.1423A>G (p.Met475Val)

Gene: EFTUD2 (elongation factor Tu GTP binding domain containing 2; minus strand). Cytogenetic location: 17q21.31.
Variant type: single nucleotide variant.
Coding change: c.1423A>G on transcript NM_004247.4 (MANE Select); coding-DNA position 1423, A replaced by G.
Protein change: p.Met475Val; replaces methionine 475 with valine.
Molecular consequence: missense variant.
Genome position (GRCh38, 1-based): chr17:44,862,897, T>C on the plus strand (A>G on the coding strand, the complement: EFTUD2 is on the minus strand). VCF-style: chr17-44862897-T-C. GRCh37 (hg19) VCF-style: chr17-42940265-T-C.
Other names: c.1318A>G, p.Met440Val (NM_001142605.2); c.1423A>G, p.Met475Val (NM_001258353.2); c.1393A>G, p.Met465Val (NM_001258354.2); short protein forms M465V, M475V, M440V.
Identifiers: ClinVar variation 2762544 (VCV002762544.3), dbSNP rs2508762939, ClinGen allele CA399814258.